The following is an entry in ClinVar:

NM_006096.4(NDRG1):c.*377G>A

Gene: NDRG1 (N-myc downstream regulated 1; minus strand). Cytogenetic location: 8q24.22.
Variant type: single nucleotide variant.
Coding change: c.*377G>A on transcript NM_006096.4 (MANE Select); 377 bases downstream of the stop codon, G replaced by A.
Molecular consequence: 3 prime UTR variant.
Genome position (GRCh38, 1-based): chr8:133,238,501, C>T on the plus strand (G>A on the coding strand, the complement: NDRG1 is on the minus strand). VCF-style: chr8-133238501-C-T. GRCh37 (hg19) VCF-style: chr8-134250744-C-T.
Other names: c.*377G>A (NM_001135242.2, NM_001258432.2, NM_001258433.2 and 4 more transcripts).
Identifiers: ClinVar variation 908491 (VCV000908491.4), dbSNP rs377385607, ClinGen allele CA186362139.

ClinVar aggregate classification (germline): Likely benign (1 of 4 stars; one submission).

Conditions:
Charcot-Marie-Tooth disease type 4D. Also called: Charcot-Marie-Tooth Neuropathy Type 4D; CHARCOT-MARIE-TOOTH DISEASE, DEMYELINATING, TYPE 4D; CHARCOT-MARIE-TOOTH DISEASE, DEMYELINATING, AUTOSOMAL RECESSIVE, TYPE 4D; NEUROPATHY, HEREDITARY MOTOR AND SENSORY, LOM TYPE. Identifiers: Orphanet 99950, MedGen C1832334, MONDO:0011085, OMIM 601455.

Allele frequency attached by ClinVar (database versions not stated): gnomAD 0.00003 and 0.00037; TOPMed 0.00005; gnomAD exomes 0.00022; 1000 Genomes Project 30x 0.00234; 1000 Genomes Project 0.00280.

Submission:

Illumina Laboratory Services, Illumina
Classification: Likely benign for Charcot-Marie-Tooth disease type 4D. Last evaluated: 2018-01-13. Review status: criteria provided, single submitter. Criteria: ICSL Variant Classification Criteria 13 December 2019. Collection method: clinical testing. Allele origin: germline.
Comment: This variant was observed in the ICSL laboratory as part of a predisposition screen in an ostensibly healthy population. It had not been previously curated by ICSL or reported in the Human Gene Mutation Database (HGMD: prior to June 1st, 2018), and was therefore a candidate for classification through an automated scoring system. Utilizing variant allele frequency, disease prevalence and penetrance estimates, and inheritance mode, an automated score was calculated to assess if this variant is too frequent to cause the disease. Based on the score and internal cut-off values, a variant classified as likely benign is not then subjected to further curation. The score for this variant resulted in a classification of likely benign for this disease.